The following is an entry in ClinVar:

ClinVar aggregate classification (germline): Conflicting classifications of pathogenicity. Review status: criteria provided, conflicting classifications (1 of 4 stars). 2 submissions from 2 submitters: Uncertain significance (1); Likely benign (1). Last evaluated 2025-03-01.

Allele frequency attached by ClinVar (database versions not stated): 1000 Genomes Project 0.00040; 1000 Genomes Project 30x 0.00062; TOPMed 0.00073; gnomAD 0.00080; ESP Exome Variant Server 0.00092; gnomAD exomes 0.00110.
gnomAD v4.1: 1,702 of 1,612,164 alleles (0.11%); highest among the groups gnomAD compares: Non-Finnish European, 0.14%; no homozygotes.

Submissions (2):

CeGaT Center for Human Genetics Tuebingen
Classification: Likely benign. Last evaluated: 2025-03-01. Review status: criteria provided, single submitter. Criteria: CeGaT Center For Human Genetics Tuebingen Variant Classification Criteria Version 2. Collection method: clinical testing. Allele origin: germline. Affected: yes. Observed: 1 variant allele.
Comment: KIF15: BP4

Ambry Genetics
Classification: Uncertain significance. Last evaluated: 2021-09-01. Review status: criteria provided, single submitter. Criteria: Ambry Variant Classification Scheme 2023. Collection method: clinical testing. Allele origin: germline.

NM_020242.3(KIF15):c.2812G>A (p.Val938Ile)

Gene: KIF15 (kinesin family member 15; plus strand). Cytogenetic location: 3p21.31.
Variant type: single nucleotide variant.
Coding change: c.2812G>A on transcript NM_020242.3 (MANE Select); coding-DNA position 2812, G replaced by A.
Protein change: p.Val938Ile; replaces valine 938 with isoleucine.
Molecular consequence: missense variant.
Genome position (GRCh38, 1-based): chr3:44,827,484, G>A. VCF-style: chr3-44827484-G-A. GRCh37 (hg19) VCF-style: chr3-44868976-G-A.
Other names: short protein forms V938I.
Identifiers: ClinVar variation 3114481 (VCV003114481.8), dbSNP rs112882527, ClinGen allele CA2346443.